The following is an entry in ClinVar:

NM_004369.4(COL6A3):c.2196G>A (p.Thr732=)

Gene: COL6A3 (collagen type VI alpha 3 chain; minus strand). Cytogenetic location: 2q37.3.
Variant type: single nucleotide variant.
Coding change: c.2196G>A on transcript NM_004369.4 (MANE Select); coding-DNA position 2196, G replaced by A.
Protein change: p.Thr732=; no amino-acid change (threonine 732 retained).
Molecular consequence: synonymous variant. On other transcripts: intron variant (1).
Genome position (GRCh38, 1-based): chr2:237,378,937, C>T on the plus strand (G>A on the coding strand, the complement: COL6A3 is on the minus strand). VCF-style: chr2-237378937-C-T. GRCh37 (hg19) VCF-style: chr2-238287580-C-T.
Other names: c.975G>A, p.Thr325= (NM_057164.5); c.1578G>A, p.Thr526= (NM_057165.5, NM_057167.4); c.677-1593G>A (NM_057166.5).
Identifiers: ClinVar variation 288489 (VCV000288489.12), dbSNP rs768242367, ClinGen allele CA2189458.

ClinVar aggregate classification (germline): Conflicting classifications of pathogenicity. Review status: criteria provided, conflicting classifications (1 of 4 stars). 3 submissions from 3 submitters: Uncertain significance (1); Benign (1); Likely benign (1). Last evaluated 2025-02-11.

Conditions:
Bethlem myopathy 1A. Also called: Bethlem Muscular Dystrophy; MYOPATHY, BENIGN CONGENITAL, WITH CONTRACTURES; Bethlem myopathy 1. Identifiers: Orphanet 610, MedGen CN029274, MONDO:0024530, OMIM 158810.

Allele frequency attached by ClinVar (database versions not stated): TOPMed 0.00001; ExAC 0.00002; gnomAD exomes 0.00002.
gnomAD v4.1: 31 of 1,614,062 alleles (0.0019%); highest among the groups gnomAD compares: African/African-American, 0.004%; no homozygotes.

Submissions (3):

Labcorp Genetics (formerly Invitae), Labcorp
Classification: Benign for Bethlem myopathy 1A. Last evaluated: 2025-02-11. Review status: criteria provided, single submitter. Criteria: Invitae Variant Classification Sherloc (09022015). Collection method: clinical testing. Allele origin: germline.

GeneDx
Classification: Likely benign. Last evaluated: 2017-11-28. Review status: criteria provided, single submitter. Criteria: GeneDx Variant Classification (06012015). Collection method: clinical testing. Allele origin: germline. Affected: yes.
Comment: This variant is considered likely benign or benign based on one or more of the following criteria: it is a conservative change, it occurs at a poorly conserved position in the protein, it is predicted to be benign by multiple in silico algorithms, and/or has population frequency not consistent with disease.

Eurofins Ntd Llc (ga)
Classification: Uncertain significance. Last evaluated: 2016-06-02. Review status: criteria provided, single submitter. Criteria: EGL Classification Definitions 2015. Collection method: clinical testing. Allele origin: germline. Observed: 2 variant alleles, 2 heterozygotes.